The following is an entry in ClinVar:

ClinVar aggregate classification (germline): Uncertain significance (1 of 4 stars; one submission).

Allele frequency attached by ClinVar (database versions not stated): gnomAD 0.00001.
gnomAD v4.1: 6 of 1,484,680 alleles (0.0004%); highest among the groups gnomAD compares: Middle Eastern, 0.042%; no homozygotes.

Submission:

Labcorp Genetics (formerly Invitae), Labcorp
Classification: Uncertain significance. Last evaluated: 2022-08-09. Review status: criteria provided, single submitter. Criteria: Invitae Variant Classification Sherloc (09022015). Collection method: clinical testing. Allele origin: germline.
Comment: In summary, the available evidence is currently insufficient to determine the role of this variant in disease. Therefore, it has been classified as a Variant of Uncertain Significance. Algorithms developed to predict the effect of missense changes on protein structure and function are either unavailable or do not agree on the potential impact of this missense change (SIFT: "Deleterious"; PolyPhen-2: "Probably Damaging"; Align-GVGD: "Class C0"). This variant has not been reported in the literature in individuals affected with P3H2-related conditions. This variant is present in population databases (no rsID available, gnomAD 0.002%). This sequence change replaces leucine, which is neutral and non-polar, with arginine, which is basic and polar, at codon 71 of the P3H2 protein (p.Leu71Arg).

NM_018192.4(P3H2):c.212T>G (p.Leu71Arg)

Gene: P3H2 (prolyl 3-hydroxylase 2; minus strand). Cytogenetic location: 3q28.
Variant type: single nucleotide variant.
Coding change: c.212T>G on transcript NM_018192.4 (MANE Select); coding-DNA position 212, T replaced by G.
Protein change: p.Leu71Arg; replaces leucine 71 with arginine.
Molecular consequence: missense variant. On other transcripts: intron variant (1).
Genome position (GRCh38, 1-based): chr3:190,120,520, A>C on the plus strand (T>G on the coding strand, the complement: P3H2 is on the minus strand). VCF-style: chr3-190120520-A-C. GRCh37 (hg19) VCF-style: chr3-189838309-A-C.
Other names: c.-64+1683T>G (NM_001134418.2); short protein forms L71R.
Identifiers: ClinVar variation 1926585 (VCV001926585.5), dbSNP rs990627880, ClinGen allele CA90197225.